The following is an entry in ClinVar:

NM_001126108.2(SLC12A3):c.1259C>T (p.Ala420Val)

Gene: SLC12A3 (solute carrier family 12 member 3; plus strand). Cytogenetic location: 16q13.
Variant type: single nucleotide variant.
Coding change: c.1259C>T on transcript NM_001126108.2 (MANE Select); coding-DNA position 1259, C replaced by T.
Protein change: p.Ala420Val; replaces alanine 420 with valine.
Molecular consequence: missense variant.
Genome position (GRCh38, 1-based): chr16:56,879,151, C>T. VCF-style: chr16-56879151-C-T. GRCh37 (hg19) VCF-style: chr16-56913063-C-T.
Other names: c.1259C>T, p.Ala420Val (NM_000339.3); c.1256C>T, p.Ala419Val (NM_001126107.2, NM_001410896.1); short protein forms A419V, A420V.
Identifiers: ClinVar variation 3384715 (VCV003384715.1).

ClinVar aggregate classification (germline): Uncertain significance (1 of 4 stars; one submission).

Submission:

Women's Health and Genetics/Laboratory Corporation of America, LabCorp
Classification: Uncertain significance. Last evaluated: 2024-10-30. Review status: criteria provided, single submitter. Criteria: LabCorp Variant Classification Summary - May 2015. Collection method: clinical testing. Allele origin: germline.
Comment: Variant summary: SLC12A3 c.1259C>T (p.Ala420Val) results in a non-conservative amino acid change located in the Amino acid permease/ SLC12A domain (IPR004841) of the encoded protein sequence. Three of five in-silico tools predict a damaging effect of the variant on protein function. The variant was absent in 250618 control chromosomes. The available data on variant occurrences in the general population are insufficient to allow any conclusion about variant significance. To our knowledge, no occurrence of c.1259C>T in individuals affected with Familial Hypokalemia-Hypomagnesemia and no experimental evidence demonstrating its impact on protein function have been reported. No submitters have cited clinical-significance assessments for this variant to ClinVar. Based on the evidence outlined above, the variant was classified as uncertain significance.